The following is an entry in ClinVar:

NM_007074.4(CORO1A):c.198+6C>G

Gene: CORO1A (coronin 1A; plus strand). Cytogenetic location: 16p11.2.
Variant type: single nucleotide variant.
Coding change: c.198+6C>G on transcript NM_007074.4 (MANE Select); 6 bases into the intron after coding-DNA position 198, C replaced by G.
Molecular consequence: intron variant.
Genome position (GRCh38, 1-based): chr16:30,185,413, C>G. VCF-style: chr16-30185413-C-G. GRCh37 (hg19) VCF-style: chr16-30196734-C-G.
Other names: c.198+6C>G (NM_001193333.3).
Identifiers: ClinVar variation 3724691 (VCV003724691.2).

ClinVar aggregate classification (germline): Uncertain significance (1 of 4 stars; one submission).

Conditions:
Severe combined immunodeficiency due to CORO1A deficiency. Also called: IMMUNODEFICIENCY 8 WITH LYMPHOPROLIFERATION; Immunodeficiency 8. Identifiers: Orphanet 228003, MedGen C3809383, MONDO:0014168, OMIM 615401.

gnomAD v4.1: 1 of 1,611,706 alleles (0.000062%); highest among the groups gnomAD compares: African/African-American, 0.0013%; no homozygotes.

Submission:

Labcorp Genetics (formerly Invitae), Labcorp
Classification: Uncertain significance for Severe combined immunodeficiency due to CORO1A deficiency. Last evaluated: 2024-11-11. Review status: criteria provided, single submitter. Criteria: Invitae Variant Classification Sherloc (09022015). Collection method: clinical testing. Allele origin: germline.
Comment: This sequence change falls in intron 2 of the CORO1A gene. It does not directly change the encoded amino acid sequence of the CORO1A protein. It affects a nucleotide within the consensus splice site. This variant is not present in population databases (gnomAD no frequency). This variant has not been reported in the literature in individuals affected with CORO1A-related conditions. Variants that disrupt the consensus splice site are a relatively common cause of aberrant splicing (PMID: 17576681, 9536098). Algorithms developed to predict the effect of sequence changes on RNA splicing suggest that this variant is not likely to affect RNA splicing. In summary, the available evidence is currently insufficient to determine the role of this variant in disease. Therefore, it has been classified as a Variant of Uncertain Significance.

Literature cited by the submitters: PubMed 17576681; PubMed 9536098.